The following is an entry in ClinVar:

NM_021147.5(CCNO):c.945C>G (p.Asp315Glu)

Gene: CCNO (cyclin O; minus strand). Cytogenetic location: 5q11.2.
Variant type: single nucleotide variant.
Coding change: c.945C>G on transcript NM_021147.5 (MANE Select); coding-DNA position 945, C replaced by G.
Protein change: p.Asp315Glu; replaces aspartic acid 315 with glutamic acid.
Molecular consequence: missense variant. On other transcripts: non-coding transcript variant (3).
Genome position (GRCh38, 1-based): chr5:55,231,483, G>C on the plus strand (C>G on the coding strand, the complement: CCNO is on the minus strand). VCF-style: chr5-55231483-G-C. GRCh37 (hg19) VCF-style: chr5-54527311-G-C.
Other names: short protein forms D315E.
Identifiers: ClinVar variation 1437949 (VCV001437949.5), dbSNP rs1240396964, ClinGen allele CA359720638.
Genomic context (GRCh38, chr5:55,231,483, plus strand): 5'-CAGCATGTGAGTCAAGGAAGTACTGTTTATGGCCACCAGCAGCTGCAACTTGCCCATACA[G>C]TCCTCCAGCGCCGCCTCCGGGTGGTCTCCCAGTCGCAAGTCCACGGGCCGCGAGACCCGC-3'
Protein context (NP_066970.3, residues 305-325): LGDHPEAALE[Asp315Glu]CMGKLQLLVA

ClinVar aggregate classification (germline): Uncertain significance (1 of 4 stars; one submission).

Conditions:
Primary ciliary dyskinesia. Also called: Ciliary dyskinesia. Identifiers: Orphanet 244, MedGen C0008780, MONDO:0016575, HP:0012265.

Allele frequency attached by ClinVar (database versions not stated): gnomAD exomes 0.00001 and 0.00002; TOPMed 0.00001.
gnomAD v4.1: 5 of 1,614,080 alleles (0.00031%); highest among the groups gnomAD compares: Admixed American, 0.0083%; no homozygotes.

Submission:

Labcorp Genetics (formerly Invitae), Labcorp
Classification: Uncertain significance for Primary ciliary dyskinesia. Last evaluated: 2021-09-01. Review status: criteria provided, single submitter. Criteria: Invitae Variant Classification Sherloc (09022015). Collection method: clinical testing. Allele origin: germline.
Comment: This sequence change replaces aspartic acid with glutamic acid at codon 315 of the CCNO protein (p.Asp315Glu). The aspartic acid residue is moderately conserved and there is a small physicochemical difference between aspartic acid and glutamic acid. This variant is not present in population databases (ExAC no frequency). This variant has not been reported in the literature in individuals affected with CCNO-related conditions. Algorithms developed to predict the effect of missense changes on protein structure and function are either unavailable or do not agree on the potential impact of this missense change (SIFT: "Tolerated"; PolyPhen-2: "Possibly Damaging"; Align-GVGD: "Class C0"). In summary, the available evidence is currently insufficient to determine the role of this variant in disease. Therefore, it has been classified as a Variant of Uncertain Significance.